The following is an entry in ClinVar:

ClinVar aggregate classification (germline): Uncertain significance (1 of 4 stars; one submission).

gnomAD v4.1: 5 of 1,613,980 alleles (0.00031%); highest among the groups gnomAD compares: African/African-American, 0.0067%; no homozygotes.

Submission:

Women's Health and Genetics/Laboratory Corporation of America, LabCorp
Classification: Uncertain significance. Last evaluated: 2023-10-25. Review status: criteria provided, single submitter. Criteria: LabCorp Variant Classification Summary - May 2015. Collection method: clinical testing. Allele origin: germline.
Comment: Variant summary: DCC c.3448C>T (p.Pro1150Ser) results in a non-conservative amino acid change located in the neogenin, C-terminal domain (IPR010560) of the encoded protein sequence. Five of five in-silico tools predict a damaging effect of the variant on protein function. The variant allele was found at a frequency of 4e-06 in 251336 control chromosomes (gnomAD). The available data on variant occurrences in the general population are insufficient to allow any conclusion about variant significance. To our knowledge, no occurrence of c.3448C>T in individuals affected with Mirror Movements 1 and no experimental evidence demonstrating its impact on protein function have been reported. No submitters have cited clinical-significance assessments for this variant to ClinVar after 2014. Based on the evidence outlined above, the variant was classified as uncertain significance.

NM_005215.4(DCC):c.3448C>T (p.Pro1150Ser)

Gene: DCC (DCC netrin 1 receptor; plus strand). Cytogenetic location: 18q21.2.
Variant type: single nucleotide variant.
Coding change: c.3448C>T on transcript NM_005215.4 (MANE Select); coding-DNA position 3448, C replaced by T.
Protein change: p.Pro1150Ser; replaces proline 1150 with serine.
Molecular consequence: missense variant.
Genome position (GRCh38, 1-based): chr18:53,459,287, C>T. VCF-style: chr18-53459287-C-T. GRCh37 (hg19) VCF-style: chr18-50985657-C-T.
Other names: short protein forms P1150S.
Identifiers: ClinVar variation 2637462 (VCV002637462.1), dbSNP rs199876013, ClinGen allele CA8967522.